The following is an entry in ClinVar:

NM_004614.5(TK2):c.157-2A>C

Gene: TK2 (thymidine kinase 2; minus strand). Cytogenetic location: 16q21.
Variant type: single nucleotide variant.
Coding change: c.157-2A>C on transcript NM_004614.5 (MANE Select); the canonical splice acceptor site of the intron before coding-DNA position 157, A replaced by C.
Molecular consequence: splice acceptor variant. On other transcripts: intron variant (1).
Genome position (GRCh38, 1-based): chr16:66,541,955, T>G on the plus strand (A>C on the coding strand, the complement: TK2 is on the minus strand). VCF-style: chr16-66541955-T-G. GRCh37 (hg19) VCF-style: chr16-66575858-T-G.
Other names: c.64-2A>C (NM_001271935.1, NM_001172643.1); c.157-4938A>C (NM_001172644.2); c.157-2A>C (NM_001172645.2); c.10-2A>C (NM_001271934.2); c.-135-2A>C (NM_001272050.2).
Identifiers: ClinVar variation 3778876 (VCV003778876.2).

ClinVar aggregate classification (germline): Pathogenic (1 of 4 stars; one submission).

Conditions:
Mitochondrial disease. Also called: Mitochondrial disorders; Mitochondrial disorder. Identifiers: Orphanet 68380, MedGen C0751651, MeSH D028361, MONDO:0044970.

Submission:

Genomenon, Inc
Classification: Pathogenic for Mitochondrial disease. Last evaluated: 2025-11-24. Review status: criteria provided, single submitter. Criteria: Genomenon Sequence Variant Interpretation Standards - Updated. Collection method: curation. Allele origin: germline. Affected: yes.
Comment: TK2 c.157-2A>C is a canonical splice variant located in the acceptor splice region of intron 2. It is predicted to affect mRNA splicing, leading to a deleterious effect on the TK2 protein. This variant has been observed in a proband affected with mitochondrial disease in the compound heterozygous state (34484922). This variant is not present at a significant frequency in gnomAD. In conclusion, we classify TK2 c.157-2A>C as a pathogenic variant.

Literature cited by the submitters: PubMed 34484922.